The following is an entry in ClinVar:

ClinVar aggregate classification (germline): Likely benign (0 of 4 stars; one submission).

Conditions:
MASP2-related disorder. Also called: MASP2-related condition.

Allele frequency attached by ClinVar (database versions not stated): ExAC 0.00001; gnomAD 0.00001; gnomAD exomes 0.00001; TOPMed 0.00001.
gnomAD v4.1: 23 of 1,614,038 alleles (0.0014%); highest among the groups gnomAD compares: Non-Finnish European, 0.0017%; no homozygotes.

Submission:

PreventionGenetics, part of Exact Sciences
Classification: Likely benign for MASP2-related condition. Last evaluated: 2019-06-11. Review status: no assertion criteria provided. Collection method: clinical testing. Allele origin: germline.
Comment: This variant is classified as likely benign based on ACMG/AMP sequence variant interpretation guidelines (Richards et al. 2015 PMID: 25741868, with internal and published modifications).

NM_006610.4(MASP2):c.1689G>A (p.Arg563=)

Genes: MASP2 (MBL associated serine protease 2; minus strand), TARDBP (TAR DNA binding protein; plus strand). Cytogenetic location: 1p36.22.
Variant type: single nucleotide variant.
Coding change: c.1689G>A on transcript NM_006610.4 (MANE Select); coding-DNA position 1689, G replaced by A.
Protein change: p.Arg563=; no amino-acid change (arginine 563 retained).
Molecular consequence: synonymous variant.
Genome position (GRCh38, 1-based): chr1:11,027,257, C>T on the plus strand (G>A on the coding strand, the complement: MASP2 is on the minus strand). VCF-style: chr1-11027257-C-T. GRCh37 (hg19) VCF-style: chr1-11087314-C-T.
Identifiers: ClinVar variation 3033229 (VCV003033229.2), dbSNP rs766503914, ClinGen allele CA586610.